The following is an entry in ClinVar:

ClinVar aggregate classification (germline): Uncertain significance. Review status: criteria provided, multiple submitters, no conflicts (2 of 4 stars). 3 submissions from 3 submitters: Uncertain significance (3). Last evaluated 2026-05-18.

Conditions:
BBS10-related disorder. Also called: BBS10-related condition.
Bardet-Biedl syndrome 10 (BBS10). Identifiers: Orphanet 110, MedGen C1859568, MONDO:0014438, OMIM 615987.
Bardet-Biedl syndrome (BBS). Identifiers: Orphanet 110, MedGen C0752166, MONDO:0015229.

Allele frequency attached by ClinVar (database versions not stated): gnomAD exomes 0.00001 and 0.00002; gnomAD 0.00003; TOPMed 0.00003; ExAC 0.00006.

Submissions (3):

PreventionGenetics, part of Exact Sciences
Classification: Uncertain significance for BBS10-related condition. Last evaluated: 2026-05-18. Review status: criteria provided, single submitter. Criteria: ACMG Guidelines, 2015. Collection method: clinical testing. Allele origin: germline.
Comment: The BBS10 c.1A>G variant is predicted to disrupt the translation initiation site (Start loss). To our knowledge, this variant has not been reported in the literature in association with disease. Note that there is a downstream methionine at p.5 that could potentially be utilized as an alternate initiation site. This variant is reported in 0.011% of alleles in individuals of African descent in gnomAD. At this time, the clinical significance of this variant is uncertain due to the absence of conclusive functional and genetic evidence.

Labcorp Genetics (formerly Invitae), Labcorp
Classification: Uncertain significance for Bardet-Biedl syndrome. Last evaluated: 2022-07-19. Review status: criteria provided, single submitter. Criteria: Invitae Variant Classification Sherloc (09022015). Collection method: clinical testing. Allele origin: germline.
Comment: This sequence change affects the initiator methionine of the BBS10 mRNA. The next in-frame methionine is located at codon 5. This variant is present in population databases (rs752145803, gnomAD 0.01%). This variant has not been reported in the literature in individuals affected with BBS10-related conditions. ClinVar contains an entry for this variant (Variation ID: 1515437). Experimental studies and prediction algorithms are not available or were not evaluated, and the functional significance of this variant is currently unknown. In summary, the available evidence is currently insufficient to determine the role of this variant in disease. Therefore, it has been classified as a Variant of Uncertain Significance.

Fulgent Genetics
Classification: Uncertain significance for Bardet-Biedl syndrome 10. Last evaluated: 2022-05-23. Review status: criteria provided, single submitter. Criteria: ACMG Guidelines, 2015. Collection method: clinical testing. Allele origin: unknown.

NM_024685.4(BBS10):c.1A>G (p.Met1Val)

Gene: BBS10 (Bardet-Biedl syndrome 10; minus strand). Cytogenetic location: 12q21.2.
Variant type: single nucleotide variant.
Coding change: c.1A>G on transcript NM_024685.4 (MANE Select); coding-DNA position 1, A replaced by G.
Protein change: p.Met1Val; changes the start codon (methionine 1).
Molecular consequence: missense variant, initiator codon variant.
Genome position (GRCh38, 1-based): chr12:76,348,358, T>C on the plus strand (A>G on the coding strand, the complement: BBS10 is on the minus strand). VCF-style: chr12-76348358-T-C. GRCh37 (hg19) VCF-style: chr12-76742138-T-C.
Other names: c.1A>G (NM_024685.3); short protein forms M1V.
Identifiers: ClinVar variation 1515437 (VCV001515437.6), dbSNP rs752145803, ClinGen allele CA6694449.
Genomic context (GRCh38, chr12:76,348,358, plus strand): 5'-GCACCTCGGCCACCTGCAACGCCGCCTTCACAGACCCTGCAGCGGCCATAGAACTTAACA[T>C]ATCTGGGCCGCTTCCCCTTTTTGACCAGCTTGCAGAACACCCGGGCCGACCGAAAACAGG-3'
Protein context (NP_078961.3, residues 1-11): [Met1Val]LSSMAAAGSV